The following is an entry in ClinVar:

NM_000102.4(CYP17A1):c.194C>T (p.Ser65Leu)

Gene: CYP17A1 (cytochrome P450 family 17 subfamily A member 1; minus strand). Cytogenetic location: 10q24.32.
Variant type: single nucleotide variant.
Coding change: c.194C>T on transcript NM_000102.4 (MANE Select); coding-DNA position 194, C replaced by T.
Protein change: p.Ser65Leu; replaces serine 65 with leucine.
Molecular consequence: missense variant.
Genome position (GRCh38, 1-based): chr10:102,837,168, G>A on the plus strand (C>T on the coding strand, the complement: CYP17A1 is on the minus strand). VCF-style: chr10-102837168-G-A. GRCh37 (hg19) VCF-style: chr10-104596925-G-A.
Other names: short protein forms S65L.
Identifiers: ClinVar variation 2169981 (VCV002169981.2), dbSNP rs906926519, ClinGen allele CA212296058.

ClinVar aggregate classification (germline): Uncertain significance (1 of 4 stars; one submission).

Allele frequency attached by ClinVar (database versions not stated): gnomAD 0.00001; gnomAD exomes 0.00001; TOPMed 0.00002.
gnomAD v4.1: 16 of 1,593,542 alleles (0.001%); highest among the groups gnomAD compares: Middle Eastern, 0.017%; no homozygotes.

Submission:

Labcorp Genetics (formerly Invitae), Labcorp
Classification: Uncertain significance. Last evaluated: 2025-06-12. Review status: criteria provided, single submitter. Criteria: Invitae Variant Classification Sherloc (09022015). Collection method: clinical testing. Allele origin: germline.
Comment: This sequence change replaces serine, which is neutral and polar, with leucine, which is neutral and non-polar, at codon 65 of the CYP17A1 protein (p.Ser65Leu). This variant is present in population databases (no rsID available, gnomAD 0.002%). This variant has not been reported in the literature in individuals affected with CYP17A1-related conditions. ClinVar contains an entry for this variant (Variation ID: 2169981). An algorithm developed to predict the effect of missense changes on protein structure and function (PolyPhen-2) suggests that this variant is likely to be disruptive. In summary, the available evidence is currently insufficient to determine the role of this variant in disease. Therefore, it has been classified as a Variant of Uncertain Significance.